The following is an entry in ClinVar:

NM_001367561.1(DOCK7):c.380T>C (p.Val127Ala)

Gene: DOCK7 (dedicator of cytokinesis 7; minus strand). Cytogenetic location: 1p31.3.
Variant type: single nucleotide variant.
Coding change: c.380T>C on transcript NM_001367561.1 (MANE Select); coding-DNA position 380, T replaced by C.
Protein change: p.Val127Ala; replaces valine 127 with alanine.
Molecular consequence: missense variant.
Genome position (GRCh38, 1-based): chr1:62,653,734, A>G on the plus strand (T>C on the coding strand, the complement: DOCK7 is on the minus strand). VCF-style: chr1-62653734-A-G. GRCh37 (hg19) VCF-style: chr1-63119405-A-G.
Other names: c.380T>C, p.Val127Ala (NM_001271999.2, NM_001272000.2, NM_001272001.2 and 3 more transcripts); short protein forms V127A.
Identifiers: ClinVar variation 854915 (VCV000854915.10), dbSNP rs1657651544, ClinGen allele CA340703728.

ClinVar aggregate classification (germline): Uncertain significance (1 of 4 stars; one submission).

Conditions:
Developmental and epileptic encephalopathy, 23 (DEE23). Also called: Epileptic encephalopathy, early infantile, 23. Identifiers: Orphanet 411986, MedGen C4014492, MONDO:0014371, OMIM 615859.

Submission:

Labcorp Genetics (formerly Invitae), Labcorp
Classification: Uncertain significance for Developmental and epileptic encephalopathy, 23. Last evaluated: 2024-02-17. Review status: criteria provided, single submitter. Criteria: Invitae Variant Classification Sherloc (09022015). Collection method: clinical testing. Allele origin: germline.
Comment: This sequence change replaces valine, which is neutral and non-polar, with alanine, which is neutral and non-polar, at codon 127 of the DOCK7 protein (p.Val127Ala). This variant is not present in population databases (gnomAD no frequency). This variant has not been reported in the literature in individuals affected with DOCK7-related conditions. ClinVar contains an entry for this variant (Variation ID: 854915). Advanced modeling of protein sequence and biophysical properties (such as structural, functional, and spatial information, amino acid conservation, physicochemical variation, residue mobility, and thermodynamic stability) has been performed at Invitae for this missense variant, however the output from this modeling did not meet the statistical confidence thresholds required to predict the impact of this variant on DOCK7 protein function. In summary, the available evidence is currently insufficient to determine the role of this variant in disease. Therefore, it has been classified as a Variant of Uncertain Significance.